The following is an entry in ClinVar:

ClinVar aggregate classification (germline): Benign. Review status: criteria provided, multiple submitters, no conflicts (2 of 4 stars). 4 submissions from 4 submitters: Benign (4). Last evaluated 2024-11-27.

Conditions:
Congenital fibrosis of extraocular muscles type 1. Also called: OPHTHALMOPLEGIA, CONGENITAL; CFEOM3B; BLEPHAROPTOSIS WITH ABSENT EYE MOVEMENTS; FEOM1 LOCUS. Identifiers: MedGen C1851102, MONDO:0021083, OMIM 135700.

Allele frequency attached by ClinVar (database versions not stated): ESP Exome Variant Server 0.04267; gnomAD 0.05003 and 0.05305; gnomAD exomes 0.05604 and 0.06815; TOPMed 0.05614; ExAC 0.06488; 1000 Genomes Project 30x 0.07808; 1000 Genomes Project 0.08107.
gnomAD v4.1: 90,454 of 1,613,900 alleles (5.6%); highest among the groups gnomAD compares: East Asian, 18%; 3,440 homozygotes.

Submissions (4):

Blueprint Genetics
Classification: Benign. Last evaluated: 2024-11-27. Review status: criteria provided, single submitter. Criteria: ACMG Guidelines, 2015. Collection method: clinical testing. Allele origin: germline.

Genome-Nilou Lab
Classification: Benign for Congenital fibrosis of extraocular muscles type 1. Last evaluated: 2021-08-19. Review status: criteria provided, single submitter. Criteria: ACMG Guidelines, 2015. Collection method: clinical testing. Allele origin: germline. Affected: no.

Illumina Laboratory Services, Illumina
Classification: Benign for Congenital fibrosis of extraocular muscles type 1. Last evaluated: 2018-01-13. Review status: criteria provided, single submitter. Criteria: ICSL Variant Classification Criteria 13 December 2019. Collection method: clinical testing. Allele origin: germline.
Comment: This variant was observed in the ICSL laboratory as part of a predisposition screen in an ostensibly healthy population. It had not been previously curated by ICSL or reported in the Human Gene Mutation Database (HGMD: prior to June 1st, 2018), and was therefore a candidate for classification through an automated scoring system. Utilizing variant allele frequency, disease prevalence and penetrance estimates, and inheritance mode, an automated score was calculated to assess if this variant is too frequent to cause the disease. Based on the score and internal cut-off values, a variant classified as benign is not then subjected to further curation. The score for this variant resulted in a classification of benign for this disease.

Breakthrough Genomics
Classification: Benign. Review status: criteria provided, single submitter. Criteria: ACMG Guidelines, 2015. Collection method: not provided. Allele origin: germline. Inheritance: Autosomal dominant inheritance. Affected: yes.

NM_001173464.2(KIF21A):c.4768C>T (p.Leu1590=)

Gene: KIF21A (kinesin family member 21A; minus strand). Cytogenetic location: 12q12.
Variant type: single nucleotide variant.
Coding change: c.4768C>T on transcript NM_001173464.2 (MANE Select); coding-DNA position 4768, C replaced by T.
Protein change: p.Leu1590=; no amino-acid change (leucine 1590 retained).
Molecular consequence: synonymous variant.
Genome position (GRCh38, 1-based): chr12:39,301,643, G>A on the plus strand (C>T on the coding strand, the complement: KIF21A is on the minus strand). VCF-style: chr12-39301643-G-A. GRCh37 (hg19) VCF-style: chr12-39695445-G-A.
Other names: c.4657C>T, p.Leu1553= (NM_001173463.2); c.4609C>T, p.Leu1537= (NM_001173465.2); c.4729C>T, p.Leu1577= (NM_017641.4).
Identifiers: ClinVar variation 308546 (VCV000308546.9), dbSNP rs2271477, ClinGen allele CA6510091.